The following is an entry in ClinVar:

NM_144670.6(A2ML1):c.1483G>C (p.Gly495Arg)

Gene: A2ML1 (alpha-2-macroglobulin like 1; plus strand). Cytogenetic location: 12p13.31.
Variant type: single nucleotide variant.
Coding change: c.1483G>C on transcript NM_144670.6 (MANE Select); coding-DNA position 1483, G replaced by C.
Protein change: p.Gly495Arg; replaces glycine 495 with arginine.
Molecular consequence: missense variant.
Genome position (GRCh38, 1-based): chr12:8,845,448, G>C. VCF-style: chr12-8845448-G-C. GRCh37 (hg19) VCF-style: chr12-8998044-G-C.
Other names: c.10G>C, p.Gly4Arg (NM_001282424.3); short protein forms G495R, G4R.
Identifiers: ClinVar variation 3651564 (VCV003651564.2).

ClinVar aggregate classification (germline): Uncertain significance (1 of 4 stars; one submission).

Submission:

Labcorp Genetics (formerly Invitae), Labcorp
Classification: Uncertain significance. Last evaluated: 2024-04-29. Review status: criteria provided, single submitter. Criteria: Invitae Variant Classification Sherloc (09022015). Collection method: clinical testing. Allele origin: germline.
Comment: This sequence change replaces glycine, which is neutral and non-polar, with arginine, which is basic and polar, at codon 495 of the A2ML1 protein (p.Gly495Arg). This variant is not present in population databases (gnomAD no frequency). This variant has not been reported in the literature in individuals affected with A2ML1-related conditions. An algorithm developed to predict the effect of missense changes on protein structure and function (PolyPhen-2) suggests that this variant is likely to be disruptive. In summary, the available evidence is currently insufficient to determine the role of this variant in disease. Therefore, it has been classified as a Variant of Uncertain Significance.